The following is an entry in ClinVar:

ClinVar aggregate classification (germline): Likely benign (0 of 4 stars; one submission).

Conditions:
ZP2-related disorder. Also called: ZP2-related condition.

Allele frequency attached by ClinVar (database versions not stated): gnomAD 0.00015; TOPMed 0.00019; ExAC 0.00043; 1000 Genomes Project 0.00120; 1000 Genomes Project 30x 0.00125.
gnomAD v4.1: 137 of 1,609,416 alleles (0.0085%); highest among the groups gnomAD compares: East Asian, 0.29%; 1 homozygote.

Submission:

PreventionGenetics, part of Exact Sciences
Classification: Likely benign for ZP2-related condition. Last evaluated: 2019-09-18. Review status: no assertion criteria provided. Collection method: clinical testing. Allele origin: germline.
Comment: This variant is classified as likely benign based on ACMG/AMP sequence variant interpretation guidelines (Richards et al. 2015 PMID: 25741868, with internal and published modifications).

NM_001376232.1(ZP2):c.1099+9C>A

Gene: ZP2 (zona pellucida glycoprotein 2; minus strand). Cytogenetic location: 16p12.2.
Variant type: single nucleotide variant.
Coding change: c.1099+9C>A on transcript NM_001376232.1 (MANE Select); 9 bases into the intron after coding-DNA position 1099, C replaced by A.
Molecular consequence: intron variant.
Genome position (GRCh38, 1-based): chr16:21,203,116, G>T on the plus strand (C>A on the coding strand, the complement: ZP2 is on the minus strand). VCF-style: chr16-21203116-G-T. GRCh37 (hg19) VCF-style: chr16-21214437-G-T.
Other names: c.1099+9C>A (NM_001376231.1, NM_001376233.1, NM_003460.2).
Identifiers: ClinVar variation 3040963 (VCV003040963.2), dbSNP rs187716957, ClinGen allele CA7949845.
Genomic context (GRCh38, chr16:21,203,116, plus strand): 5'-CATTTGCCCACATGTACAAGAGCCAAGGGAGAAAAAAGGTAGAACATGATTTTAATAAAA[G>T]GTCTTTACCTATAGAAACGGGTGACTCACAGAGACACTCAGGATAGATCACCATGGATAC-3'